The following is an entry in ClinVar:

ClinVar aggregate classification (germline): Uncertain significance (1 of 4 stars; one submission).

Conditions:
Myofibrillar myopathy 4. Also called: Zaspopathy (type). Identifiers: Orphanet 98912, MedGen C4721886, MONDO:0012277, OMIM 609452.

Allele frequency attached by ClinVar (database versions not stated): gnomAD exomes below 0.00001; ExAC 0.00001.
gnomAD v4.1: 1 of 1,614,210 alleles (0.000062%); highest among the groups gnomAD compares: Admixed American, 0.0017%; no homozygotes.

Submission:

Labcorp Genetics (formerly Invitae), Labcorp
Classification: Uncertain significance for Myofibrillar myopathy 4. Last evaluated: 2024-10-18. Review status: criteria provided, single submitter. Criteria: Invitae Variant Classification Sherloc (09022015). Collection method: clinical testing. Allele origin: germline.
Comment: The LDB3 gene has multiple clinically relevant transcripts. This variant occurs in alternate transcript NM_007078.3, and corresponds to NM_001080116.1:c.*18638C>T in the primary transcript. This sequence change affects codon 575 of the LDB3 mRNA. It is a 'silent' change, meaning that it does not change the encoded amino acid sequence of the LDB3 protein. This variant is not present in population databases (gnomAD no frequency). This variant has not been reported in the literature in individuals affected with LDB3-related conditions. Experimental studies and prediction algorithms are not available or were not evaluated, and the effect of this variant on mRNA splicing is currently unknown. In summary, the available evidence is currently insufficient to determine the role of this variant in disease. Therefore, it has been classified as a Variant of Uncertain Significance.

NM_007078.3(LDB3):c.1725C>T (p.Phe575=)

Gene: LDB3 (LIM domain binding 3; plus strand). Cytogenetic location: 10q23.2.
Variant type: single nucleotide variant.
Coding change: c.1725C>T on transcript NM_007078.3 (MANE Select); coding-DNA position 1725, C replaced by T.
Protein change: p.Phe575=; no amino-acid change (phenylalanine 575 retained).
Molecular consequence: synonymous variant.
Genome position (GRCh38, 1-based): chr10:86,718,012, C>T. VCF-style: chr10-86718012-C-T. GRCh37 (hg19) VCF-style: chr10-88477769-C-T.
Other names: c.1395C>T, p.Phe465= (NM_001080114.2); c.1740C>T, p.Phe580= (NM_001171610.2); c.1536C>T, p.Phe512= (NM_001368064.1, NM_001368065.1); c.1584C>T, p.Phe528= (NM_001368066.1).
Identifiers: ClinVar variation 1999324 (VCV001999324.4), dbSNP rs764772091, ClinGen allele CA5585222.
Genomic context (GRCh38, chr10:86,718,012, plus strand): 5'-GTGCTTCCCCAGGGGCCCATTTCTGGTAGCCATGGGCCGTTCTTGGCACCCTGAAGAGTT[C>T]ACCTGTGCCTACTGCAAGACTTCCCTGGCAGATGTGTGCTTTGTGGAAGAGCAGAACAAC-3'
Protein context (NP_009009.1, residues 565-585): AMGRSWHPEE[Phe575=]TCAYCKTSLA